The following is an entry in ClinVar:

NM_000059.4(BRCA2):c.955_958dup (p.Leu320fs)

Gene: BRCA2 (BRCA2 DNA repair associated; plus strand). Cytogenetic location: 13q13.1.
Variant type: Duplication.
Coding change: c.955_958dup on transcript NM_000059.4 (MANE Select); coding-DNA positions 955 to 958, 4 bases duplicated (AATC; older notation c.955_958dupAATC).
Protein change: p.Leu320fs; shifts the reading frame from leucine 320.
Molecular consequence: frameshift variant. On other transcripts: non-coding transcript variant (1), intron variant (1).
Genome position (GRCh38, 1-based): chr13:32,332,433-32,332,436, AATC duplicated. VCF-style (leftmost placement, unchanged base first): chr13-32332432-A-AAATC. GRCh37 (hg19) VCF-style: chr13-32906569-A-AAATC.
Other names: c.955_958dup, p.Leu320fs (NM_001406719.1, NM_001406720.1, NM_001406721.1); c.424+1403_424+1406dup (NM_001406722.1); c.955_958dupAATC (NM_000059.3); short protein forms L320fs.
Identifiers: ClinVar variation 2586316 (VCV002586316.6), dbSNP rs2548519193, ClinGen allele CA2582341829.
Genomic context (GRCh38, chr13:32,332,432, plus strand): 5'-AGTTGTAGATACCTCTGAAGAAGATAGTTTTTCATTATGTTTTTCTAAATGTAGAACAAA[A>AAATC]AATCTACAAAAAGTAAGAACTAGCAAGACTAGGAAAAAAATTTTCCATGAAGCAAACGCT-3'

ClinVar aggregate classification (germline): Pathogenic. Review status: criteria provided, multiple submitters, no conflicts (2 of 4 stars). 3 submissions from 3 submitters: Pathogenic (3). Last evaluated 2025-07-31.

Conditions:
Hereditary breast ovarian cancer syndrome. Also called: BRCA1- and BRCA2-Associated Hereditary Breast and Ovarian Cancer; Hereditary breast and ovarian cancer; Hereditary breast and ovarian cancer syndrome (HBOC); Breast and ovarian cancer; Hereditary breast and ovarian cancer syndrome; Hereditary breast and/or ovarian cancer syndrome. Identifiers: Orphanet 145, MedGen C0677776, MeSH D061325, MONDO:0003582. Disease mechanism: loss of function.
Hereditary cancer-predisposing syndrome. Also called: Hereditary neoplastic syndrome; Tumor predisposition; Hereditary Cancer Syndrome; Neoplastic Syndromes, Hereditary. Identifiers: Orphanet 140162, MedGen C0027672, MeSH D009386, MONDO:0015356.

Submissions (3):

Labcorp Genetics (formerly Invitae), Labcorp
Classification: Pathogenic for Hereditary breast ovarian cancer syndrome. Last evaluated: 2025-07-31. Review status: criteria provided, single submitter. Criteria: Invitae Variant Classification Sherloc (09022015). Collection method: clinical testing. Allele origin: germline.
Comment: This sequence change creates a premature translational stop signal (p.Leu320Glnfs*8) in the BRCA2 gene. It is expected to result in an absent or disrupted protein product. Loss-of-function variants in BRCA2 are known to be pathogenic (PMID: 20104584). This variant is not present in population databases (gnomAD no frequency). This variant has not been reported in the literature in individuals affected with BRCA2-related conditions. ClinVar contains an entry for this variant (Variation ID: 2586316). For these reasons, this variant has been classified as Pathogenic.

Quest Diagnostics Nichols Institute San Juan Capistrano
Classification: Pathogenic. Last evaluated: 2023-10-04. Review status: criteria provided, single submitter. Criteria: Quest Diagnostics criteria. Collection method: clinical testing. Allele origin: unknown.
Comment: The BRCA2 c.955_958dup (p.Leu320Glnfs*8) variant alters the translational reading frame of the BRCA2 mRNA and causes the premature termination of BRCA2 protein synthesis. This variant has not been reported in individuals with BRCA2-related conditions in the published literature. This variant has not been reported in large, multi-ethnic general populations (Genome Aggregation Database). Based on the available information, this variant is classified as pathogenic.

Ambry Genetics
Classification: Pathogenic for Hereditary cancer-predisposing syndrome. Last evaluated: 2023-09-11. Review status: criteria provided, single submitter. Criteria: Ambry Variant Classification Scheme 2023. Collection method: clinical testing. Allele origin: germline.
Comment: The c.955_958dupAATC pathogenic mutation, located in coding exon 9 of the BRCA2 gene, results from a duplication of AATC at nucleotide positions 955 to 958, causing a translational frameshift with a predicted alternate stop codon (p.L320Qfs*8). This variant is considered to be rare based on population cohorts in the Genome Aggregation Database (gnomAD). This alteration is expected to result in loss of function by premature protein truncation or nonsense-mediated mRNA decay. As such, this alteration is interpreted as a disease-causing mutation.

Literature cited by the submitters: PubMed 20104584 (cited by Labcorp Genetics (formerly Invitae), Labcorp).